The following is an entry in ClinVar:

ClinVar aggregate classification (germline): Uncertain significance (1 of 4 stars; one submission).

Allele frequency attached by ClinVar (database versions not stated): TOPMed 0.00003; ExAC 0.00004; gnomAD 0.00005; gnomAD exomes 0.00007; 1000 Genomes Project 0.00020; 1000 Genomes Project 30x 0.00031.
gnomAD v4.1: 105 of 1,613,426 alleles (0.0065%); highest among the groups gnomAD compares: Non-Finnish European, 0.0085%; no homozygotes.

Submission:

Women's Health and Genetics/Laboratory Corporation of America, LabCorp
Classification: Uncertain significance. Last evaluated: 2023-11-21. Review status: criteria provided, single submitter. Criteria: LabCorp Variant Classification Summary - May 2015. Collection method: clinical testing. Allele origin: germline.
Comment: Variant summary: RNF213 c.8212C>G (p.Leu2738Val) results in a conservative amino acid change in the encoded protein sequence. Three of four in-silico tools predict a benign effect of the variant on protein function. The variant allele was found at a frequency of 2e-05 in 250262 control chromosomes. The available data on variant occurrences in the general population are insufficient to allow any conclusion about variant significance. c.8212C>G has been reported in the literature in at least one heterozygous individual affected with Moyamoya Disease (e.g. Zanoni_2023). These report(s) do not provide unequivocal conclusions about association of the variant with Moyamoya Disease 2. To our knowledge, no experimental evidence demonstrating an impact on protein function has been reported. The following publication has been ascertained in the context of this evaluation (PMID: 37012328). No submitters have cited clinical-significance assessments for this variant to ClinVar after 2014. Based on the evidence outlined above, the variant was classified as uncertain significance.

Literature cited by the submitters: PubMed 37012328.

NM_001256071.3(RNF213):c.8212C>G (p.Leu2738Val)

Gene: RNF213 (ring finger protein 213; plus strand). Cytogenetic location: 17q25.3.
Variant type: single nucleotide variant.
Coding change: c.8212C>G on transcript NM_001256071.3 (MANE Select); coding-DNA position 8212, C replaced by G.
Protein change: p.Leu2738Val; replaces leucine 2738 with valine.
Molecular consequence: missense variant.
Genome position (GRCh38, 1-based): chr17:80,346,547, C>G. VCF-style: chr17-80346547-C-G. GRCh37 (hg19) VCF-style: chr17-78320347-C-G.
Other names: c.8359C>G, p.Leu2787Val (NM_001410195.1, NM_020914.5); short protein forms L2738V, L2787V.
Identifiers: ClinVar variation 2682212 (VCV002682212.1), dbSNP rs141083276, ClinGen allele CA8820909.
Genomic context (GRCh38, chr17:80,346,547, plus strand): 5'-AGCAGGCTGCTTCTGGATGAAATAACACGGGCACAGGATCTTTTTCTGGACGGCGTACCT[C>G]TGAGGAAAACCATCGCCAAGAACTTGGCCTTGAAGGAGAACGTCTTCATGATGGTCGTCT-3'
Protein context (NP_001243000.2, residues 2728-2748): AQDLFLDGVP[Leu2738Val]RKTIAKNLAL